The following is an entry in ClinVar:

ClinVar aggregate classification (germline): Conflicting classifications of pathogenicity. Review status: criteria provided, conflicting classifications (1 of 4 stars). 10 submissions from 9 submitters: Uncertain significance (8); Benign (1); Likely benign (1). Last evaluated 2025-12-24.

Conditions:
TERT-related disorder. Also called: TERT-related disorders; TERT-related condition.
Pulmonary fibrosis and/or bone marrow failure, Telomere-related, 1. Also called: PULMONARY FIBROSIS AND/OR BONE MARROW FAILURE SYNDROME, TELOMERE-RELATED, 1. Identifiers: Orphanet 88, MedGen C3553617, MONDO:0013878, OMIM 614742.
Aplastic anemia. Identifiers: Orphanet 182040, Orphanet 88, MedGen C0002874, MONDO:0015909, OMIM 609135, HP:0001915.
Dyskeratosis congenita, autosomal dominant 2. Identifiers: MedGen C3151443, MONDO:0013521, OMIM 613989.
Idiopathic Pulmonary Fibrosis. Also called: Idiopathic fibrosing alveolitis, chronic form; idiopathic fibrosing alveolitis. Identifiers: Orphanet 2032, MedGen C1800706, MeSH D054990, MONDO:0800504.
Dyskeratosis congenita. Identifiers: Orphanet 1775, MedGen C0265965, MONDO:0015780.

Allele frequency attached by ClinVar (database versions not stated): gnomAD exomes 0.00005 and 0.00009; TOPMed 0.00005; ExAC 0.00009; ESP Exome Variant Server 0.00032; gnomAD 0.00004 and 0.00005.
gnomAD v4.1: 96 of 1,613,760 alleles (0.0059%); highest among the groups gnomAD compares: Non-Finnish European, 0.0012%; no homozygotes.

Submissions (10):

Labcorp Genetics (formerly Invitae), Labcorp
Classification: Likely benign for Dyskeratosis congenita, autosomal dominant 2; Idiopathic Pulmonary Fibrosis. Last evaluated: 2025-12-24. Review status: criteria provided, single submitter. Criteria: Invitae Variant Classification Sherloc (09022015). Collection method: clinical testing. Allele origin: germline.

PreventionGenetics, part of Exact Sciences
Classification: Uncertain significance for TERT-related condition. Last evaluated: 2025-08-07. Review status: criteria provided, single submitter. Criteria: ACMG Guidelines, 2015. Collection method: clinical testing. Allele origin: germline.
Comment: The TERT c.3150G>C variant is predicted to result in the amino acid substitution p.Lys1050Asn. This variant has been reported in multiple individuals with telomerase disorders, and is suggested to be a founder variant in the Ashkenazi Jewish population (see for example: de Andrade et al 2025. PubMed ID: 40456748; Collopy et al. 2015. PubMed ID: 26024875; Huang et al. 2018. PubMed ID: 29625052). Functional studies have shown that this variant reduces telomerase activity; however, different studies have reported conflicting reduction levels ranging from 24% and 56% compared to wild type (de Andrade et al 2025. PubMed ID: 40456748; Collopy et al. 2015. PubMed ID: 26024875). Of note, the clinical significance of a partial reduction of TERT activity is currently not fully understood and it has been suggested that reductions in function of 50% - 20% of wildtype may still fall within a "normal" range (Collopy et al. 2015. PubMed ID: 26024875). This variant is reported in 0.20% of alleles in individuals of Ashkenazi Jewish descent in gnomAD. In ClinVar this variant has conflicting classifications ranging from uncertain to likely benign (ClinVar ID: 350518). Although we suspect that this variant may be pathogenic, at this time, the clinical significance of this variant is uncertain due to the absence of conclusive functional and genetic evidence.

Mayo Clinic Laboratories, Mayo Clinic
Classification: Uncertain significance. Last evaluated: 2025-02-28. Review status: criteria provided, single submitter. Criteria: ACMG Guidelines, 2015. Collection method: clinical testing. Allele origin: germline. Observed: 1 variant allele.
Comment: PP2

Ambry Genetics
Classification: Uncertain significance for Dyskeratosis congenita. Last evaluated: 2024-12-23. Review status: criteria provided, single submitter. Criteria: Ambry Variant Classification Scheme 2023. Collection method: clinical testing. Allele origin: germline.
Comment: The p.K1050N variant (also known as c.3150G>C), located in coding exon 14 of the TERT gene, results from a G to C substitution at nucleotide position 3150. The lysine at codon 1050 is replaced by asparagine, an amino acid with similar properties. This amino acid position is well conserved in available vertebrate species. In addition, the in silico prediction for this alteration is inconclusive. Based on the available evidence, the clinical significance of this variant remains unclear.

Baylor Genetics
Classification: Uncertain significance for Dyskeratosis congenita, autosomal dominant 2. Last evaluated: 2023-09-02. Review status: criteria provided, single submitter. Criteria: ACMG Guidelines, 2015. Collection method: clinical testing. Allele origin: unknown.

GeneDx
Classification: Uncertain significance. Last evaluated: 2023-01-06. Review status: criteria provided, single submitter. Criteria: GeneDx Variant Classification Process June 2021. Collection method: clinical testing. Allele origin: germline. Affected: yes.
Comment: Published functional studies demonstrate intermediate telomerase activity (Collopy 2015); In silico analysis supports that this missense variant does not alter protein structure/function; This variant is associated with the following publications: (PMID: 29758336, 27540018, 29463756, 26024875, 26158642, 28495916, 27354474, 29625052, 28104920, 31448843, 32526789)

Sema4
Classification: Uncertain significance for Dyskeratosis congenita. Last evaluated: 2021-06-15. Review status: criteria provided, single submitter. Criteria: Sema4 Curation Guidelines. Collection method: curation. Allele origin: germline.
Comment: The TERT c.3150G>C (p.K1050N) variant has been reported in several individuals with short telomeres, bone marrow failure, pulomary fibrosis and/or leukemia (PMID: 26158642, 27540018, 27354474, 28104920), and was reported in homozygosity in an individual with dyskeratosis congenita (PMID 26024875). This variant was also detected in an individual with ovarian cancer (PMID 29625052). The telomerase repeat amplification protocol (TRAP) assay found this variant to have 56% telomerase activity, compared to wildtype (PMID: 26024875), however thresholds of telomerase activity needed for normal function is not well established. It was observed in 20/10038 chromosomes of the Ashkenazi Jewish subpopulation, with no homozygotes, in the large and broad cohorts of the Genome Aggregation Database (PMID: 32461654). The variant has been reported in ClinVar (Variation ID 350518). In silico tools suggest the impact of the variant on protein function is inconclusive. The evidence is insufficient to meet ACMG/AMP criteria for classifying the variant as benign or pathogenic. Thus, the clinical significance of this variant is currently uncertain.

Genetic Services Laboratory, University of Chicago
Classification: Uncertain significance. Last evaluated: 2020-10-15. Review status: criteria provided, single submitter. Criteria: ACMG Guidelines, 2015. Collection method: clinical testing. Allele origin: germline. Affected: no.
Comment: DNA sequence analysis of the TERT gene demonstrated a sequence change, c.3150G>C, in exon 14 that results in an amino acid change, p.Lys1050Asn. This sequence change has been reported in the gnomAD database with a frequency of 0.2% in the Ashkenazi Jewish sub-population (dbSNP rs373400596). The p.Lys1050Asn change affects a moderately conserved amino acid residue located in a domain of the TERT protein that is known to be functional. In-silico pathogenicity prediction tools (SIFT, PolyPhen2, Align GVGD, Revel) provide contradictory results for the p.Lys1050Asn substitution. This individual√¢‚Ç¨‚Ñ¢s sister with bone marrow failure and nail dystrophy was also found to be homozygous for this TERT variant, but did not carry the same variant in TERC (PMID: 26024875). Results of other first-degree relatives from this family were not reported. The p.Lys1050Asn change has been demonstrated to reduce telomerase activity compared with normal controls, however normal telomerase cutoffs have not been well established (PMID: 26024875). A different pathogenic sequence change affecting the same amino acid residue (p.Lys1050Glu) has been described in a patient with pulmonary fibrosis (PMID: 18635888). Due to the frequency of this sequence change in population databases, the p.Lys1050Asn is classified as a variant of unknown significance.

Illumina Laboratory Services, Illumina
Classification: Uncertain significance for Aplastic anemia. Last evaluated: 2017-04-28. Review status: criteria provided, single submitter. Criteria: ICSL Variant Classification Criteria 13 December 2019. Collection method: clinical testing. Allele origin: germline.

Illumina Laboratory Services, Illumina
Classification: Benign for Pulmonary fibrosis and/or bone marrow failure, Telomere-related, 1. Last evaluated: 2017-04-28. Review status: criteria provided, single submitter. Criteria: ICSL Variant Classification Criteria 13 December 2019. Collection method: clinical testing. Allele origin: germline.
Comment: This variant was observed as part of a predisposition screen in an ostensibly healthy population. A literature search was performed for the gene, cDNA change, and amino acid change (where applicable). No publications were found based on this search. Allele frequency data from public databases was too high to be consistent with this variant causing disease. Therefore, this variant is classified as benign.

Literature cited by the submitters: PubMed 18635888 (cited by Mayo Clinic Laboratories, Mayo Clinic); PubMed 26024875 (cited by Mayo Clinic Laboratories, Mayo Clinic and Sema4); PubMed 26158642 (cited by Mayo Clinic Laboratories, Mayo Clinic and Sema4); PubMed 27540018 (cited by Mayo Clinic Laboratories, Mayo Clinic and Sema4); PubMed 28104920 (cited by Mayo Clinic Laboratories, Mayo Clinic and Sema4); PubMed 28154186 (cited by Mayo Clinic Laboratories, Mayo Clinic); PubMed 28495916 (cited by Mayo Clinic Laboratories, Mayo Clinic); PubMed 29463756 (cited by Mayo Clinic Laboratories, Mayo Clinic); PubMed 29758336 (cited by Mayo Clinic Laboratories, Mayo Clinic); PubMed 32526789 (cited by Mayo Clinic Laboratories, Mayo Clinic); PubMed 35477117 (cited by Mayo Clinic Laboratories, Mayo Clinic); PubMed 27354474 (cited by Sema4); PubMed 29625052 (cited by Sema4).

NM_198253.3(TERT):c.3150G>C (p.Lys1050Asn)

Gene: TERT (telomerase reverse transcriptase; minus strand). Cytogenetic location: 5p15.33.
Variant type: single nucleotide variant.
Coding change: c.3150G>C on transcript NM_198253.3 (MANE Select); coding-DNA position 3150, G replaced by C.
Protein change: p.Lys1050Asn; replaces lysine 1050 with asparagine.
Molecular consequence: missense variant. On other transcripts: non-coding transcript variant (2).
Genome position (GRCh38, 1-based): chr5:1,255,294, C>G on the plus strand (G>C on the coding strand, the complement: TERT is on the minus strand). VCF-style: chr5-1255294-C-G. GRCh37 (hg19) VCF-style: chr5-1255409-C-G.
Other names: p.Lys1050Asn; c.2961G>C, p.Lys987Asn (NM_001193376.3); short protein forms K1050N, K987N.
Identifiers: ClinVar variation 350518 (VCV000350518.25), dbSNP rs373400596, ClinGen allele CA3184275.